The following is an entry in ClinVar:

NM_001365088.1(SLC12A6):c.2497G>A (p.Ala833Thr)

Genes: SLC12A6 (solute carrier family 12 member 6; minus strand), LOC126862097 (P300/CBP strongly-dependent group 1 enhancer GRCh37_chr15:34531007-34532206; plus strand). Cytogenetic location: 15q14.
Variant type: single nucleotide variant.
Coding change: c.2497G>A on transcript NM_001365088.1 (MANE Select); coding-DNA position 2497, G replaced by A.
Protein change: p.Ala833Thr; replaces alanine 833 with threonine.
Molecular consequence: missense variant.
Genome position (GRCh38, 1-based): chr15:34,239,100, C>T on the plus strand (G>A on the coding strand, the complement: SLC12A6 is on the minus strand). VCF-style: chr15-34239100-C-T. GRCh37 (hg19) VCF-style: chr15-34531301-C-T.
Other names: c.2320G>A, p.Ala774Thr (NM_001042494.2, NM_001042495.2); c.2470G>A, p.Ala824Thr (NM_001042496.2); c.2452G>A, p.Ala818Thr (NM_001042497.2); c.2344G>A, p.Ala782Thr (NM_005135.2); c.2497G>A, p.Ala833Thr (NM_133647.2); short protein forms A774T, A818T, A833T, A782T, A824T.
Identifiers: ClinVar variation 2182196 (VCV002182196.3), dbSNP rs1158701066, ClinGen allele CA391619391.
Genomic context (GRCh38, chr15:34,239,100, plus strand): 5'-GCTTCATGCCCCCAAGGCCACATGACTGGATGAGGTGGGAAATGCCCTCTCTCAGCTTGG[C>T]GGCCACCACCAGCTGGCAGAATCCTTTTACCTTCTCTGCCTCCATTAGGTGCTTTATGGT-3'
Protein context (NP_001352017.1, residues 823-843): VKGFCQLVVA[Ala833Thr]KLREGISHLI

ClinVar aggregate classification (germline): Uncertain significance. Review status: criteria provided, multiple submitters, no conflicts (2 of 4 stars). 2 submissions from 2 submitters: Uncertain significance (2). Last evaluated 2024-05-17.

Conditions:
Inborn genetic diseases. Identifiers: MedGen C0950123, MeSH D030342.

Allele frequency attached by ClinVar (database versions not stated): gnomAD exomes 0.00001; TOPMed 0.00001; gnomAD 0.00003.
gnomAD v4.1: 25 of 1,613,846 alleles (0.0015%); highest among the groups gnomAD compares: South Asian, 0.011%; no homozygotes.

Submissions (2):

Labcorp Genetics (formerly Invitae), Labcorp
Classification: Uncertain significance. Last evaluated: 2024-05-17. Review status: criteria provided, single submitter. Criteria: Invitae Variant Classification Sherloc (09022015). Collection method: clinical testing. Allele origin: germline.
Comment: This sequence change replaces alanine, which is neutral and non-polar, with threonine, which is neutral and polar, at codon 833 of the SLC12A6 protein (p.Ala833Thr). This variant is present in population databases (no rsID available, gnomAD 0.006%). This variant has not been reported in the literature in individuals affected with SLC12A6-related conditions. ClinVar contains an entry for this variant (Variation ID: 2182196). Advanced modeling of protein sequence and biophysical properties (such as structural, functional, and spatial information, amino acid conservation, physicochemical variation, residue mobility, and thermodynamic stability) performed at Invitae indicates that this missense variant is not expected to disrupt SLC12A6 protein function with a negative predictive value of 80%. In summary, the available evidence is currently insufficient to determine the role of this variant in disease. Therefore, it has been classified as a Variant of Uncertain Significance.

Ambry Genetics
Classification: Uncertain significance for Inborn genetic diseases. Last evaluated: 2022-07-19. Review status: criteria provided, single submitter. Criteria: Ambry Variant Classification Scheme 2023. Collection method: clinical testing. Allele origin: germline.